The following is an entry in ClinVar:

ClinVar aggregate classification (germline): Uncertain significance (1 of 4 stars; one submission).

gnomAD v4.1: 15 of 1,468,206 alleles (0.001%); highest among the groups gnomAD compares: South Asian, 0.0058%; no homozygotes.

Submission:

Labcorp Genetics (formerly Invitae), Labcorp
Classification: Uncertain significance. Last evaluated: 2024-05-11. Review status: criteria provided, single submitter. Criteria: Invitae Variant Classification Sherloc (09022015). Collection method: clinical testing. Allele origin: germline.
Comment: This sequence change replaces proline, which is neutral and non-polar, with leucine, which is neutral and non-polar, at codon 653 of the NFATC1 protein (p.Pro653Leu). This variant is present in population databases (rs766320548, gnomAD 0.005%). This variant has not been reported in the literature in individuals affected with NFATC1-related conditions. An algorithm developed to predict the effect of missense changes on protein structure and function (PolyPhen-2) suggests that this variant is likely to be disruptive. In summary, the available evidence is currently insufficient to determine the role of this variant in disease. Therefore, it has been classified as a Variant of Uncertain Significance.

NM_001278669.2(NFATC1):c.1958C>T (p.Pro653Leu)

Gene: NFATC1 (nuclear factor of activated T cells 1; plus strand). Cytogenetic location: 18q23.
Variant type: single nucleotide variant.
Coding change: c.1958C>T on transcript NM_001278669.2 (MANE Select); coding-DNA position 1958, C replaced by T.
Protein change: p.Pro653Leu; replaces proline 653 with leucine.
Molecular consequence: missense variant.
Genome position (GRCh38, 1-based): chr18:79,461,365, C>T. VCF-style: chr18-79461365-C-T. GRCh37 (hg19) VCF-style: chr18-77221365-C-T.
Other names: c.1919C>T, p.Pro640Leu (NM_001278672.2, NM_001278675.2, NM_172387.3 and 1 more transcripts); c.542C>T, p.Pro181Leu (NM_001278673.2, NM_172388.3); c.1958C>T, p.Pro653Leu (NM_006162.5, NM_172390.3, NM_001278670.2); short protein forms P181L, P640L, P653L.
Identifiers: ClinVar variation 3696134 (VCV003696134.2).